The following is an entry in ClinVar:

ClinVar aggregate classification (germline): Uncertain significance (1 of 4 stars; one submission).

gnomAD v4.1: 1 of 1,614,032 alleles (0.000062%); highest among the groups gnomAD compares: African/African-American, 0.0013%; no homozygotes.

Submission:

GeneDx
Classification: Uncertain significance. Last evaluated: 2023-10-11. Review status: criteria provided, single submitter. Criteria: GeneDx Variant Classification Process June 2021. Collection method: clinical testing. Allele origin: germline. Affected: yes.
Comment: Not observed at significant frequency in large population cohorts (gnomAD); In silico analysis supports that this missense variant has a deleterious effect on protein structure/function; Has not been previously published as pathogenic or benign to our knowledge

NM_001330288.2(SMARCC2):c.2441A>G (p.Glu814Gly)

Gene: SMARCC2 (SWI/SNF related BAF chromatin remodeling complex subunit C2; minus strand). Cytogenetic location: 12q13.2.
Variant type: single nucleotide variant.
Coding change: c.2441A>G on transcript NM_001330288.2 (MANE Select); coding-DNA position 2441, A replaced by G.
Protein change: p.Glu814Gly; replaces glutamic acid 814 with glycine.
Molecular consequence: missense variant.
Genome position (GRCh38, 1-based): chr12:56,169,883, T>C on the plus strand (A>G on the coding strand, the complement: SMARCC2 is on the minus strand). VCF-style: chr12-56169883-T-C. GRCh37 (hg19) VCF-style: chr12-56563667-T-C.
Other names: c.2441A>G, p.Glu814Gly (NM_001130420.3, NM_139067.4); c.2348A>G, p.Glu783Gly (NM_003075.5); short protein forms E783G, E814G.
Identifiers: ClinVar variation 3365974 (VCV003365974.1).
Genomic context (GRCh38, chr12:56,169,883, plus strand): 5'-TCTTTCCCTTTCTCCTCATCCTTCTTGGGAGCCTCGCTGGTTTTCTCTTTTGCTTCCTCC[T>C]CTATAGCACCCCCTCCTTCTCGGGGTTCCTGAAATTCCAGTGATAGAAAAGGAGAGTTAT-3'
Protein context (NP_001317217.1, residues 804-824): KEPREGGGAI[Glu814Gly]EEAKEKTSEA